The following is an entry in ClinVar:

NM_004525.3(LRP2):c.3248A>G (p.His1083Arg)

Gene: LRP2 (LDL receptor related protein 2; minus strand). Cytogenetic location: 2q31.1.
Variant type: single nucleotide variant.
Coding change: c.3248A>G on transcript NM_004525.3 (MANE Select); coding-DNA position 3248, A replaced by G.
Protein change: p.His1083Arg; replaces histidine 1083 with arginine.
Molecular consequence: missense variant.
Genome position (GRCh38, 1-based): chr2:169,244,875, T>C on the plus strand (A>G on the coding strand, the complement: LRP2 is on the minus strand). VCF-style: chr2-169244875-T-C. GRCh37 (hg19) VCF-style: chr2-170101385-T-C.
Other names: short protein forms H1083R.
Identifiers: ClinVar variation 3361517 (VCV003361517.3).

ClinVar aggregate classification (germline): Uncertain significance. Review status: criteria provided, multiple submitters, no conflicts (2 of 4 stars). 3 submissions from 3 submitters: Uncertain significance (3). Last evaluated 2025-03-03.

Conditions:
Inborn genetic diseases. Identifiers: MedGen C0950123, MeSH D030342.
Donnai-Barrow syndrome. Also called: DBS/FOAR SYNDROME; FACIOOCULOACOUSTICORENAL SYNDROME. Identifiers: Orphanet 2143, MedGen C1857277, MONDO:0009104, OMIM 222448.

gnomAD v4.1: 6 of 1,614,254 alleles (0.00037%); highest among the groups gnomAD compares: South Asian, 0.0033%; no homozygotes.

Submissions (3):

Ambry Genetics
Classification: Uncertain significance for Inborn genetic diseases. Last evaluated: 2025-03-03. Review status: criteria provided, single submitter. Criteria: Ambry Variant Classification Scheme 2023. Collection method: clinical testing. Allele origin: germline.

Fulgent Genetics
Classification: Uncertain significance for Donnai-Barrow syndrome. Last evaluated: 2024-04-02. Review status: criteria provided, single submitter. Criteria: ACMG Guidelines, 2015. Collection method: clinical testing. Allele origin: germline.

GeneDx
Classification: Uncertain significance. Last evaluated: 2023-07-27. Review status: criteria provided, single submitter. Criteria: GeneDx Variant Classification Process June 2021. Collection method: clinical testing. Allele origin: germline. Affected: yes.
Comment: Not observed at significant frequency in large population cohorts (gnomAD); In silico analysis supports that this missense variant does not alter protein structure/function; Has not been previously published as pathogenic or benign to our knowledge